The following is an entry in ClinVar:

ClinVar aggregate classification (germline): Benign/Likely benign. Review status: criteria provided, multiple submitters, no conflicts (2 of 4 stars). 4 submissions from 4 submitters: Benign (1); Likely benign (2). 1 of the submissions does not count toward it. Last evaluated 2026-09-01.

Conditions:
RPL35-related disorder. Also called: RPL35-related condition.

Allele frequency attached by ClinVar (database versions not stated): 1000 Genomes Project 30x 0.00109; 1000 Genomes Project 0.00120; ESP Exome Variant Server 0.00154; gnomAD exomes 0.00192 and 0.00270; TOPMed 0.00200; ExAC 0.00229; gnomAD 0.00230 and 0.00238.
gnomAD v4.1: 4,228 of 1,611,394 alleles (0.26%); highest among the groups gnomAD compares: Non-Finnish European, 0.32%; 12 homozygotes.

Submissions (4):

CeGaT Center for Human Genetics Tuebingen
Classification: Likely benign. Last evaluated: 2026-09-01. Review status: criteria provided, single submitter. Criteria: CeGaT Center For Human Genetics Tuebingen Variant Classification Criteria Version 2. Collection method: clinical testing. Allele origin: germline. Affected: yes. Observed: 1 variant allele.
Comment: RPL35: BP4, BP7

Labcorp Genetics (formerly Invitae), Labcorp
Classification: Benign. Last evaluated: 2026-01-27. Review status: criteria provided, single submitter. Criteria: Invitae Variant Classification Sherloc (09022015). Collection method: clinical testing. Allele origin: germline.

Blueprint Genetics
Classification: Likely benign. Last evaluated: 2024-11-25. Review status: criteria provided, single submitter. Criteria: ACMG Guidelines, 2015. Collection method: clinical testing. Allele origin: germline.

PreventionGenetics, part of Exact Sciences
Classification: Likely benign for RPL35-related condition. Last evaluated: 2019-09-05. Review status: no assertion criteria provided. Collection method: clinical testing. Allele origin: germline. Not counted in ClinVar's aggregate classification.
Comment: This variant is classified as likely benign based on ACMG/AMP sequence variant interpretation guidelines (Richards et al. 2015 PMID: 25741868, with internal and published modifications).

NM_007209.4(RPL35):c.223-10T>C

Gene: RPL35 (ribosomal protein L35; minus strand). Cytogenetic location: 9q33.3.
Variant type: single nucleotide variant.
Coding change: c.223-10T>C on transcript NM_007209.4 (MANE Select); 10 bases into the intron before coding-DNA position 223, T replaced by C.
Molecular consequence: intron variant.
Genome position (GRCh38, 1-based): chr9:124,858,077, A>G on the plus strand (T>C on the coding strand, the complement: RPL35 is on the minus strand). VCF-style: chr9-124858077-A-G. GRCh37 (hg19) VCF-style: chr9-127620356-A-G.
Identifiers: ClinVar variation 731615 (VCV000731615.13), dbSNP rs140320346, ClinGen allele CA5237204.